The following is an entry in ClinVar:

NM_001164508.2(NEB):c.612+5G>A

Gene: NEB (nebulin; minus strand). Cytogenetic location: 2q23.3.
Variant type: single nucleotide variant.
Coding change: c.612+5G>A on transcript NM_001164508.2 (MANE Select); 5 bases into the intron after coding-DNA position 612, G replaced by A.
Molecular consequence: intron variant.
Genome position (GRCh38, 1-based): chr2:151,724,255, C>T on the plus strand (G>A on the coding strand, the complement: NEB is on the minus strand). VCF-style: chr2-151724255-C-T. GRCh37 (hg19) VCF-style: chr2-152580769-C-T.
Other names: c.612+5G>A (NM_004543.5, NM_001164507.2, NM_001271208.2).
Identifiers: ClinVar variation 1049204 (VCV001049204.1), dbSNP rs775692122, ClinGen allele CA1911852.
Genomic context (GRCh38, chr2:151,724,255, plus strand): 5'-TATTACATGAAATATATGATGGGATGACATAGGAAGACAGAAGTGGCAATGGAGCAGACC[C>T]TTACCTTGCTGAACATGGCGGTGTTCTTAACGGCCTGGACAAGTTCAGGGGCATCAGGAG-3'

ClinVar aggregate classification (germline): Uncertain significance (0 of 4 stars; one submission).

Allele frequency attached by ClinVar (database versions not stated): gnomAD exomes below 0.00001.
gnomAD v4.1: 1 of 1,608,904 alleles (0.000062%); highest among the groups gnomAD compares: South Asian, 0.0011%; no homozygotes.

Submission:

Department of Pathology and Laboratory Medicine, Sinai Health System
Classification: Uncertain significance. Review status: no assertion criteria provided. Collection method: clinical testing. Allele origin: unknown. Affected: yes. Study: The Canadian Open Genetics Repository (COGR).
Comment: The NEB c.612+5G>A variant was not identified in the literature nor was it identified in ClinVar. The variant was identified in dbSNP (ID: rs775692122) and in control databases in 1 of 245442 chromosomes at a frequency of 0.000004074 (Genome Aggregation Database March 6, 2019, v2.1.1). The variant was observed in the Latino population in 1 of 34038 chromosomes (freq: 0.000029), but was not observed in the African, Ashkenazi Jewish, East Asian, European (Finnish), European (non-Finnish), Other, or South Asian populations. The c.612+5G>A variant is located in the 5' splice region but does not affect the invariant +1 and +2 positions. However, positions +3 to +6 are part of the splicing consensus sequence and variants involving these positions sometimes affect splicing. However, only two of four in silico or computational prediction software programs (SpliceSiteFinder, MaxEntScan, NNSPLICE, GeneSplicer) predict a difference in splicing; this is not very predictive of pathogenicity. In summary, based on the above information the clinical significance of this variant cannot be determined with certainty at this time. This variant is classified as a variant of uncertain significance.